The following is an entry in ClinVar:

NM_033100.4(CDHR1):c.1136G>A (p.Gly379Asp)

Gene: CDHR1 (cadherin related family member 1; plus strand). Cytogenetic location: 10q23.1.
Variant type: single nucleotide variant.
Coding change: c.1136G>A on transcript NM_033100.4 (MANE Select); coding-DNA position 1136, G replaced by A.
Protein change: p.Gly379Asp; replaces glycine 379 with aspartic acid.
Molecular consequence: missense variant.
Genome position (GRCh38, 1-based): chr10:84,208,346, G>A. VCF-style: chr10-84208346-G-A. GRCh37 (hg19) VCF-style: chr10-85968102-G-A.
Other names: c.1136G>A, p.Gly379Asp (NM_001171971.3); short protein forms G379D.
Identifiers: ClinVar variation 1479285 (VCV001479285.3), dbSNP rs776332250, ClinGen allele CA5579848.

ClinVar aggregate classification (germline): Uncertain significance (1 of 4 stars; one submission).

Allele frequency attached by ClinVar (database versions not stated): gnomAD 0.00001; gnomAD exomes 0.00001; TOPMed below 0.00001; ExAC 0.00001.
gnomAD v4.1: 21 of 1,614,016 alleles (0.0013%); highest among the groups gnomAD compares: Admixed American, 0.0017%; no homozygotes.

Submission:

Labcorp Genetics (formerly Invitae), Labcorp
Classification: Uncertain significance. Last evaluated: 2021-08-19. Review status: criteria provided, single submitter. Criteria: Invitae Variant Classification Sherloc (09022015). Collection method: clinical testing. Allele origin: germline.
Comment: This sequence change replaces glycine with aspartic acid at codon 379 of the CDHR1 protein (p.Gly379Asp). The glycine residue is highly conserved and there is a moderate physicochemical difference between glycine and aspartic acid. This variant is present in population databases (rs776332250, ExAC 0.002%). This variant has not been reported in the literature in individuals affected with CDHR1-related conditions. Advanced modeling of protein sequence and biophysical properties (such as structural, functional, and spatial information, amino acid conservation, physicochemical variation, residue mobility, and thermodynamic stability) performed at Invitae indicates that this missense variant is not expected to disrupt CDHR1 protein function. In summary, the available evidence is currently insufficient to determine the role of this variant in disease. Therefore, it has been classified as a Variant of Uncertain Significance.